The following is an entry in ClinVar:

ClinVar aggregate classification (germline): Uncertain significance. Review status: criteria provided, multiple submitters, no conflicts (2 of 4 stars). 2 submissions from 2 submitters: Uncertain significance (2). Last evaluated 2026-03-30.

Conditions:
Inborn genetic diseases. Identifiers: MedGen C0950123, MeSH D030342.

Allele frequency attached by ClinVar (database versions not stated): ExAC 0.00001; gnomAD exomes 0.00001; TOPMed 0.00001.

Submissions (2):

Ambry Genetics
Classification: Uncertain significance for Inborn genetic diseases. Last evaluated: 2026-03-30. Review status: criteria provided, single submitter. Criteria: Ambry Variant Classification Scheme 2023. Collection method: clinical testing. Allele origin: germline.

Labcorp Genetics (formerly Invitae), Labcorp
Classification: Uncertain significance. Last evaluated: 2024-04-22. Review status: criteria provided, single submitter. Criteria: Invitae Variant Classification Sherloc (09022015). Collection method: clinical testing. Allele origin: germline.
Comment: This sequence change replaces serine, which is neutral and polar, with leucine, which is neutral and non-polar, at codon 151 of the RBM10 protein (p.Ser151Leu). This variant is not present in population databases (gnomAD no frequency). This variant has not been reported in the literature in individuals affected with RBM10-related conditions. ClinVar contains an entry for this variant (Variation ID: 2112848). Advanced modeling of protein sequence and biophysical properties (such as structural, functional, and spatial information, amino acid conservation, physicochemical variation, residue mobility, and thermodynamic stability) performed at Invitae indicates that this missense variant is not expected to disrupt RBM10 protein function with a negative predictive value of 80%. In summary, the available evidence is currently insufficient to determine the role of this variant in disease. Therefore, it has been classified as a Variant of Uncertain Significance.

NM_005676.5(RBM10):c.452C>T (p.Ser151Leu)

Gene: RBM10 (RNA binding motif protein 10; plus strand). Cytogenetic location: Xp11.3.
Variant type: single nucleotide variant.
Coding change: c.452C>T on transcript NM_005676.5 (MANE Select); coding-DNA position 452, C replaced by T.
Protein change: p.Ser151Leu; replaces serine 151 with leucine.
Molecular consequence: missense variant.
Genome position (GRCh38, 1-based): chrX:47,173,147, C>T. VCF-style: chrX-47173147-C-T. GRCh37 (hg19) VCF-style: chrX-47032546-C-T.
Other names: c.452C>T (NM_005676.4); c.221C>T, p.Ser74Leu (NM_001204466.2, NM_152856.3); c.452C>T, p.Ser151Leu (NM_001204467.2); c.647C>T, p.Ser216Leu (NM_001204468.2); short protein forms S151L, S216L, S74L.
Identifiers: ClinVar variation 2112848 (VCV002112848.5), dbSNP rs782792881, ClinGen allele CA10395118.